The following is an entry in ClinVar:

ClinVar aggregate classification (germline): Uncertain significance. Review status: criteria provided, multiple submitters, no conflicts (2 of 4 stars). 2 submissions from 2 submitters: Uncertain significance (2). Last evaluated 2025-09-26.

Allele frequency attached by ClinVar (database versions not stated): ExAC 0.00002; gnomAD exomes 0.00002 and 0.00007; gnomAD 0.00005 and 0.00006; TOPMed 0.00005; ESP Exome Variant Server 0.00008.
gnomAD v4.1: 103 of 1,614,056 alleles (0.0064%); highest among the groups gnomAD compares: Non-Finnish European, 0.0083%; no homozygotes.

Submissions (2):

Ambry Genetics
Classification: Uncertain significance. Last evaluated: 2025-09-26. Review status: criteria provided, single submitter. Criteria: Ambry Variant Classification Scheme 2023. Collection method: clinical testing. Allele origin: germline.

Labcorp Genetics (formerly Invitae), Labcorp
Classification: Uncertain significance. Last evaluated: 2024-04-26. Review status: criteria provided, single submitter. Criteria: Invitae Variant Classification Sherloc (09022015). Collection method: clinical testing. Allele origin: germline.
Comment: This sequence change replaces isoleucine, which is neutral and non-polar, with threonine, which is neutral and polar, at codon 273 of the KIF22 protein (p.Ile273Thr). This variant is present in population databases (rs370334885, gnomAD 0.02%). This variant has not been reported in the literature in individuals affected with KIF22-related conditions. ClinVar contains an entry for this variant (Variation ID: 1053764). Advanced modeling of protein sequence and biophysical properties (such as structural, functional, and spatial information, amino acid conservation, physicochemical variation, residue mobility, and thermodynamic stability) performed at Invitae indicates that this missense variant is expected to disrupt KIF22 protein function with a positive predictive value of 80%. In summary, the available evidence is currently insufficient to determine the role of this variant in disease. Therefore, it has been classified as a Variant of Uncertain Significance.

NM_007317.3(KIF22):c.818T>C (p.Ile273Thr)

Gene: KIF22 (kinesin family member 22; plus strand). Cytogenetic location: 16p11.2.
Variant type: single nucleotide variant.
Coding change: c.818T>C on transcript NM_007317.3 (MANE Select); coding-DNA position 818, T replaced by C.
Protein change: p.Ile273Thr; replaces isoleucine 273 with threonine.
Molecular consequence: missense variant.
Genome position (GRCh38, 1-based): chr16:29,799,322, T>C. VCF-style: chr16-29799322-T-C. GRCh37 (hg19) VCF-style: chr16-29810643-T-C.
Other names: c.818T>C (NM_007317.1); c.614T>C, p.Ile205Thr (NM_001256269.2, NM_001256270.1); short protein forms I205T, I273T.
Identifiers: ClinVar variation 1053764 (VCV001053764.10), dbSNP rs370334885, ClinGen allele CA7993104.